The following is an entry in ClinVar:

ClinVar aggregate classification (germline): Uncertain significance. Review status: criteria provided, multiple submitters, no conflicts (2 of 4 stars). 2 submissions from 2 submitters: Uncertain significance (2). Last evaluated 2026-04-01.

Conditions:
JAG1-related disorder. Also called: JAG1-related condition; JAG1-related disorders.

Submissions (2):

CeGaT Center for Human Genetics Tuebingen
Classification: Uncertain significance. Last evaluated: 2026-04-01. Review status: criteria provided, single submitter. Criteria: CeGaT Center For Human Genetics Tuebingen Variant Classification Criteria Version 2. Collection method: clinical testing. Allele origin: germline. Affected: yes. Observed: 1 variant allele.
Comment: JAG1: PM2, PP3

PreventionGenetics, part of Exact Sciences
Classification: Uncertain significance for JAG1-related condition. Last evaluated: 2025-06-18. Review status: criteria provided, single submitter. Criteria: ACMG Guidelines, 2015. Collection method: clinical testing. Allele origin: germline.
Comment: The JAG1 c.1932C>G variant is predicted to result in the amino acid substitution p.Cys644Trp. To our knowledge, this variant has not been reported in the literature or in a large population database (gnomAD), indicating this variant is rare. At this time, the clinical significance of this variant is uncertain due to the absence of conclusive functional and genetic evidence.

NM_000214.3(JAG1):c.1932C>G (p.Cys644Trp)

Gene: JAG1 (jagged canonical Notch ligand 1; minus strand). Cytogenetic location: 20p12.2.
Variant type: single nucleotide variant.
Coding change: c.1932C>G on transcript NM_000214.3 (MANE Select); coding-DNA position 1932, C replaced by G.
Protein change: p.Cys644Trp; replaces cysteine 644 with tryptophan.
Molecular consequence: missense variant.
Genome position (GRCh38, 1-based): chr20:10,646,038, G>C on the plus strand (C>G on the coding strand, the complement: JAG1 is on the minus strand). VCF-style: chr20-10646038-G-C. GRCh37 (hg19) VCF-style: chr20-10626686-G-C.
Other names: c.1932C>G (NM_000214.2); short protein forms C644W.
Identifiers: ClinVar variation 4874727 (VCV004874727.3).